The following is an entry in ClinVar:

NM_001371279.1(REEP1):c.784-19T>G

Gene: REEP1 (receptor accessory protein 1; minus strand). Cytogenetic location: 2p11.2.
Variant type: single nucleotide variant.
Coding change: c.784-19T>G on transcript NM_001371279.1 (MANE Select); 19 bases into the intron before coding-DNA position 784, T replaced by G.
Molecular consequence: intron variant.
Genome position (GRCh38, 1-based): chr2:86,217,129, A>C on the plus strand (T>G on the coding strand, the complement: REEP1 is on the minus strand). VCF-style: chr2-86217129-A-C. GRCh37 (hg19) VCF-style: chr2-86444252-A-C.
Other names: c.617-19T>G (NM_001164730.2); c.515-19T>G (NM_001164731.2); c.361-19T>G (NM_001164732.2); c.418-19T>G (NM_001371280.1); c.596-19T>G (NM_022912.3).
Identifiers: ClinVar variation 138909 (VCV000138909.11), dbSNP rs141722767, ClinGen allele CA293077.

ClinVar aggregate classification (germline): Benign. Review status: criteria provided, multiple submitters, no conflicts (2 of 4 stars). 3 submissions from 3 submitters: Benign (3). Last evaluated 2026-02-04.

Conditions:
Hereditary spastic paraplegia 31. Also called: SPASTIC PARAPLEGIA 31, AUTOSOMAL DOMINANT. Identifiers: Orphanet 101011, MedGen C1853247, MONDO:0012453, OMIM 610250.

Allele frequency attached by ClinVar (database versions not stated): 1000 Genomes Project 0.00719; 1000 Genomes Project 30x 0.00843; TOPMed 0.01985; gnomAD exomes 0.02061 and 0.02955; ExAC 0.02084; gnomAD 0.02145 and 0.02274; ESP Exome Variant Server 0.02199.
gnomAD v4.1: 45,980 of 1,606,884 alleles (2.9%); highest among the groups gnomAD compares: Non-Finnish European, 3.4%; 833 homozygotes.

Submissions (21):

Labcorp Genetics (formerly Invitae), Labcorp
Classification: Benign for Hereditary spastic paraplegia 31. Last evaluated: 2026-02-04. Review status: criteria provided, single submitter. Criteria: Invitae Variant Classification Sherloc (09022015). Collection method: clinical testing. Allele origin: germline.

GeneDx
Classification: Benign. Last evaluated: 2013-11-13. Review status: criteria provided, single submitter. Criteria: GeneDx Variant Classification (06012015). Collection method: clinical testing. Allele origin: germline. Affected: yes.
Comment: This variant is considered likely benign or benign based on one or more of the following criteria: it is a conservative change, it occurs at a poorly conserved position in the protein, it is predicted to be benign by multiple in silico algorithms, and/or has population frequency not consistent with disease.

Breakthrough Genomics
Classification: Benign. Review status: criteria provided, single submitter. Criteria: ACMG Guidelines, 2015. Collection method: not provided. Allele origin: germline. Inheritance: Autosomal recessive inheritance. Affected: yes.

Dr. Peter K. Rogan Lab, Western University
No classification provided (evidence only). Condition: Clear cell carcinoma of kidney. Review status: no classification provided. Collection method: in vitro. Allele origin: not applicable. Functional consequence: retained intron. Not counted in ClinVar's aggregate classification.

Dr. Peter K. Rogan Lab, Western University
No classification provided (evidence only). Condition: Lung cancer. Review status: no classification provided. Collection method: in vitro. Allele origin: not applicable. Functional consequence: retained intron. Not counted in ClinVar's aggregate classification.

Dr. Peter K. Rogan Lab, Western University
No classification provided (evidence only). Condition: Acute myeloid leukemia. Review status: no classification provided. Collection method: in vitro. Allele origin: not applicable. Functional consequence: retained intron. Not counted in ClinVar's aggregate classification.

Dr. Peter K. Rogan Lab, Western University
No classification provided (evidence only). Condition: Sarcoma. Review status: no classification provided. Collection method: in vitro. Allele origin: not applicable. Functional consequence: retained intron. Not counted in ClinVar's aggregate classification.

Dr. Peter K. Rogan Lab, Western University
No classification provided (evidence only). Condition: Sarcoma. Review status: no classification provided. Collection method: in vitro. Allele origin: not applicable. Functional consequence: retained intron. Not counted in ClinVar's aggregate classification.

Dr. Peter K. Rogan Lab, Western University
No classification provided (evidence only). Condition: Sarcoma. Review status: no classification provided. Collection method: in vitro. Allele origin: not applicable. Functional consequence: retained intron. Not counted in ClinVar's aggregate classification.

Dr. Peter K. Rogan Lab, Western University
No classification provided (evidence only). Condition: Sarcoma. Review status: no classification provided. Collection method: in vitro. Allele origin: not applicable. Functional consequence: retained intron. Not counted in ClinVar's aggregate classification.

Dr. Peter K. Rogan Lab, Western University
No classification provided (evidence only). Condition: Sarcoma. Review status: no classification provided. Collection method: in vitro. Allele origin: not applicable. Functional consequence: retained intron. Not counted in ClinVar's aggregate classification.

Dr. Peter K. Rogan Lab, Western University
No classification provided (evidence only). Condition: Ovarian serous cystadenocarcinoma. Review status: no classification provided. Collection method: in vitro. Allele origin: not applicable. Functional consequence: retained intron. Not counted in ClinVar's aggregate classification.

Dr. Peter K. Rogan Lab, Western University
No classification provided (evidence only). Condition: Ovarian serous cystadenocarcinoma. Review status: no classification provided. Collection method: in vitro. Allele origin: not applicable. Functional consequence: retained intron. Not counted in ClinVar's aggregate classification.

Dr. Peter K. Rogan Lab, Western University
No classification provided (evidence only). Condition: Ovarian serous cystadenocarcinoma. Review status: no classification provided. Collection method: in vitro. Allele origin: not applicable. Functional consequence: retained intron. Not counted in ClinVar's aggregate classification.

Dr. Peter K. Rogan Lab, Western University
No classification provided (evidence only). Condition: Ovarian serous cystadenocarcinoma. Review status: no classification provided. Collection method: in vitro. Allele origin: not applicable. Functional consequence: retained intron. Not counted in ClinVar's aggregate classification.

Dr. Peter K. Rogan Lab, Western University
No classification provided (evidence only). Condition: Chronic lymphocytic leukemia/small lymphocytic lymphoma. Review status: no classification provided. Collection method: in vitro. Allele origin: not applicable. Functional consequence: retained intron. Not counted in ClinVar's aggregate classification.

Dr. Peter K. Rogan Lab, Western University
No classification provided (evidence only). Condition: Familial pancreatic carcinoma. Review status: no classification provided. Collection method: in vitro. Allele origin: not applicable. Functional consequence: retained intron. Not counted in ClinVar's aggregate classification.

Dr. Peter K. Rogan Lab, Western University
No classification provided (evidence only). Condition: Lymphoma. Review status: no classification provided. Collection method: in vitro. Allele origin: not applicable. Functional consequence: retained intron. Not counted in ClinVar's aggregate classification.

Dr. Peter K. Rogan Lab, Western University
No classification provided (evidence only). Condition: Lymphoma. Review status: no classification provided. Collection method: in vitro. Allele origin: not applicable. Functional consequence: retained intron. Not counted in ClinVar's aggregate classification.

Dr. Peter K. Rogan Lab, Western University
No classification provided (evidence only). Condition: Ovarian cancer. Review status: no classification provided. Collection method: in vitro. Allele origin: not applicable. Functional consequence: retained intron. Not counted in ClinVar's aggregate classification.

Dr. Peter K. Rogan Lab, Western University
No classification provided (evidence only). Condition: Ovarian cancer. Review status: no classification provided. Collection method: in vitro. Allele origin: not applicable. Functional consequence: retained intron. Not counted in ClinVar's aggregate classification.